The following is an entry in ClinVar:

NM_032119.4(ADGRV1):c.1773_1777del (p.Gln591fs)

Gene: ADGRV1 (adhesion G protein-coupled receptor V1; plus strand). Cytogenetic location: 5q14.3.
Variant type: Deletion.
Coding change: c.1773_1777del on transcript NM_032119.4 (MANE Select); coding-DNA positions 1773 to 1777, 5 bases deleted (AGTCA; older notation c.1773_1777delAGTCA).
Protein change: p.Gln591fs; shifts the reading frame from glutamine 591.
Molecular consequence: frameshift variant. On other transcripts: non-coding transcript variant (1).
Genome position (GRCh38, 1-based): chr5:90,629,473-90,629,477, AGTCA deleted; deleting any 5 consecutive bases within chr5:90,629,470-90,629,477 gives the same sequence; the c. name uses the placement nearest the transcript's 3' end. VCF-style (leftmost placement, unchanged base first): chr5-90629469-CTCAAG-C. GRCh37 (hg19) VCF-style: chr5-89925286-CTCAAG-C.
Other names: p.Gln591HisfsTer9; short protein forms Q591fs.
Identifiers: ClinVar variation 4852582 (VCV004852582.1).
Genomic context (GRCh38, chr5:90,629,469, plus strand): 5'-CAAAAGAAGGCATCTTAAATATATCAAGGAGAAATGACCTCATTTTTCCAGAGCAAAAAA[CTCAAG>C]TCACTACAAAATTACCAATAAGAAATGATGCATTCCTTCAAAATGGAGCTCACTTTCTAG-3'

ClinVar aggregate classification (germline): Likely pathogenic (1 of 4 stars; one submission).

Conditions:
Febrile seizures, familial, 4 (FEB4). Also called: CONVULSIONS, FAMILIAL FEBRILE, 4. Identifiers: MedGen C1858493, MONDO:0011443, OMIM 604352.

Submission:

Foundation for Research in Genetics and Endocrinology, FRIGE's Institute of Human Genetics
Classification: Likely pathogenic for Febrile seizures, familial, 4. Last evaluated: 2026-05-30. Review status: criteria provided, single submitter. Criteria: ACMG Guidelines, 2015. Collection method: clinical testing. Allele origin: germline. Inheritance: Autosomal dominant inheritance. Affected: yes. Observed: 1 variant allele, 1 heterozygote.
Comment: A heterozygous 5 base pair deletion in exon 9 of the ADGRV1 gene that results in a frameshift and premature truncation of the protein 9 amino acids downstream to codon 591 (p.Gln591HisfsTer9) was detected. The p.Gln591HisfsTer9 variant has not been reported in the 1000 genomes, gnomAD (v3.1), gnomAD (v2.1) and topmed databases. The reference region is conserved across species. In summary, the variant meets our criteria to be classified as Likely pathogenic.